The following is an entry in ClinVar:

ClinVar aggregate classification (germline): Uncertain significance. Review status: criteria provided, multiple submitters, no conflicts (2 of 4 stars). 2 submissions from 2 submitters: Uncertain significance (2). Last evaluated 2024-02-01.

Conditions:
Fanconi anemia complementation group P. Also called: SLX4-Related Fanconi Anemia. Identifiers: Orphanet 84, MedGen C3469542, MONDO:0013499, OMIM 613951.
Fanconi anemia (FA). Also called: Fanconi's anemia. Identifiers: Orphanet 84, MedGen C0015625, MeSH D005199, MONDO:0019391.

Allele frequency attached by ClinVar (database versions not stated): ExAC 0.00003; gnomAD exomes 0.00003; gnomAD 0.00007; TOPMed 0.00008.
gnomAD v4.1: 24 of 1,606,906 alleles (0.0015%); highest among the groups gnomAD compares: African/African-American, 0.013%; no homozygotes.

Submissions (2):

Labcorp Genetics (formerly Invitae), Labcorp
Classification: Uncertain significance for Fanconi anemia. Last evaluated: 2024-02-01. Review status: criteria provided, single submitter. Criteria: Invitae Variant Classification Sherloc (09022015). Collection method: clinical testing. Allele origin: germline.
Comment: This sequence change replaces arginine, which is basic and polar, with cysteine, which is neutral and slightly polar, at codon 1465 of the SLX4 protein (p.Arg1465Cys). This variant is present in population databases (rs765485426, gnomAD 0.03%). This variant has not been reported in the literature in individuals affected with SLX4-related conditions. ClinVar contains an entry for this variant (Variation ID: 944878). Algorithms developed to predict the effect of missense changes on protein structure and function output the following: SIFT: "Not Available"; PolyPhen-2: "Benign"; Align-GVGD: "Not Available". The cysteine amino acid residue is found in multiple mammalian species, which suggests that this missense change does not adversely affect protein function. In summary, the available evidence is currently insufficient to determine the role of this variant in disease. Therefore, it has been classified as a Variant of Uncertain Significance.

Fulgent Genetics
Classification: Uncertain significance for Fanconi anemia complementation group P. Last evaluated: 2022-04-26. Review status: criteria provided, single submitter. Criteria: ACMG Guidelines, 2015. Collection method: clinical testing. Allele origin: unknown.

NM_032444.4(SLX4):c.4393C>T (p.Arg1465Cys)

Gene: SLX4 (SLX4 structure-specific endonuclease subunit; minus strand). Cytogenetic location: 16p13.3.
Variant type: single nucleotide variant.
Coding change: c.4393C>T on transcript NM_032444.4 (MANE Select); coding-DNA position 4393, C replaced by T.
Protein change: p.Arg1465Cys; replaces arginine 1465 with cysteine.
Molecular consequence: missense variant.
Genome position (GRCh38, 1-based): chr16:3,589,245, G>A on the plus strand (C>T on the coding strand, the complement: SLX4 is on the minus strand). VCF-style: chr16-3589245-G-A. GRCh37 (hg19) VCF-style: chr16-3639246-G-A.
Other names: short protein forms R1465C.
Identifiers: ClinVar variation 944878 (VCV000944878.10), dbSNP rs765485426, ClinGen allele CA7865658.